The following is an entry in ClinVar:

ClinVar aggregate classification (germline): Uncertain significance. Review status: criteria provided, multiple submitters, no conflicts (2 of 4 stars). 2 submissions from 2 submitters: Uncertain significance (2). Last evaluated 2026-07-07.

Conditions:
Hereditary cancer-predisposing syndrome. Also called: Tumor predisposition; Hereditary Cancer Syndrome; Hereditary neoplastic syndrome; Neoplastic Syndromes, Hereditary. Identifiers: Orphanet 140162, MedGen C0027672, MeSH D009386, MONDO:0015356.
Hereditary diffuse gastric adenocarcinoma (HDGC). Also called: DIFFUSE GASTRIC AND LOBULAR BREAST CANCER SYNDROME. Identifiers: Orphanet 26106, MedGen C1708349, MONDO:0007648, OMIM 137215.

Submissions (2):

Ambry Genetics
Classification: Uncertain significance for Hereditary cancer-predisposing syndrome. Last evaluated: 2026-07-07. Review status: criteria provided, single submitter. Criteria: Ambry Variant Classification Scheme 2023. Collection method: clinical testing. Allele origin: germline.
Comment: The p.F553C variant (also known as c.1658T>G), located in coding exon 11 of the CDH1 gene, results from a T to G substitution at nucleotide position 1658. The phenylalanine at codon 553 is replaced by cysteine, an amino acid with highly dissimilar properties. This amino acid position is conserved. In addition, this alteration is predicted to be tolerated by in silico analysis. Based on the available evidence, the clinical significance of this variant remains unclear.

Labcorp Genetics (formerly Invitae), Labcorp
Classification: Uncertain significance for Hereditary diffuse gastric adenocarcinoma. Last evaluated: 2020-06-10. Review status: criteria provided, single submitter. Criteria: Invitae Variant Classification Sherloc (09022015). Collection method: clinical testing. Allele origin: germline.
Comment: In summary, the available evidence is currently insufficient to determine the role of this variant in disease. Therefore, it has been classified as a Variant of Uncertain Significance. Algorithms developed to predict the effect of sequence changes on RNA splicing suggest that this variant may create or strengthen a splice site, but this prediction has not been confirmed by published transcriptional studies. Algorithms developed to predict the effect of missense changes on protein structure and function are either unavailable or do not agree on the potential impact of this missense change (SIFT: "Tolerated"; PolyPhen-2: "Possibly Damaging"; Align-GVGD: "Class C0"). This variant has not been reported in the literature in individuals with CDH1-related conditions. This variant is not present in population databases (ExAC no frequency). This sequence change replaces phenylalanine with cysteine at codon 553 of the CDH1 protein (p.Phe553Cys). The phenylalanine residue is weakly conserved and there is a large physicochemical difference between phenylalanine and cysteine.

NM_004360.5(CDH1):c.1658T>G (p.Phe553Cys)

Gene: CDH1 (cadherin 1; plus strand). Cytogenetic location: 16q22.1.
Variant type: single nucleotide variant.
Coding change: c.1658T>G on transcript NM_004360.5 (MANE Select); coding-DNA position 1658, T replaced by G.
Protein change: p.Phe553Cys; replaces phenylalanine 553 with cysteine.
Molecular consequence: missense variant. On other transcripts: intron variant (1).
Genome position (GRCh38, 1-based): chr16:68,819,372, T>G. VCF-style: chr16-68819372-T-G. GRCh37 (hg19) VCF-style: chr16-68853275-T-G.
Other names: c.-254-2629T>G (NM_001317186.2); c.1475T>G, p.Phe492Cys (NM_001317184.2); c.110T>G, p.Phe37Cys (NM_001317185.2); c.1658T>G (NM_004360.3); short protein forms F37C, F492C, F553C.
Identifiers: ClinVar variation 1011917 (VCV001011917.10), dbSNP rs1961077541, ClinGen allele CA396465249.